The following is an entry in ClinVar:

NM_017849.4(TMEM127):c.634T>C (p.Ser212Pro)

Gene: TMEM127 (transmembrane protein 127; minus strand). Cytogenetic location: 2q11.2.
Variant type: single nucleotide variant.
Coding change: c.634T>C on transcript NM_017849.4 (MANE Select); coding-DNA position 634, T replaced by C.
Protein change: p.Ser212Pro; replaces serine 212 with proline.
Molecular consequence: missense variant.
Genome position (GRCh38, 1-based): chr2:96,253,891, A>G on the plus strand (T>C on the coding strand, the complement: TMEM127 is on the minus strand). VCF-style: chr2-96253891-A-G. GRCh37 (hg19) VCF-style: chr2-96919629-A-G.
Other names: c.634T>C (NM_017849.3); c.634T>C, p.Ser212Pro (NM_001193304.3); short protein forms S212P.
Identifiers: ClinVar variation 1062141 (VCV001062141.10), dbSNP rs775177724, ClinGen allele CA347651747.

ClinVar aggregate classification (germline): Uncertain significance. Review status: criteria provided, multiple submitters, no conflicts (2 of 4 stars). 2 submissions from 2 submitters: Uncertain significance (2). Last evaluated 2026-06-28.

Conditions:
Hereditary cancer-predisposing syndrome. Also called: Tumor predisposition; Hereditary Cancer Syndrome; Hereditary neoplastic syndrome; Neoplastic Syndromes, Hereditary. Identifiers: Orphanet 140162, MedGen C0027672, MeSH D009386, MONDO:0015356.
Hereditary pheochromocytoma and paraganglioma. Also called: Hereditary paragangliomas and pheochromocytomas; Hereditary Paraganglioma-Pheochromocytoma Syndromes; Hereditary pheochromocytoma-paraganglioma. Identifiers: Orphanet 29072, MedGen C4274332, MONDO:0017366.

Allele frequency attached by ClinVar (database versions not stated): TOPMed below 0.00001.
gnomAD v4.1: 3 of 1,613,988 alleles (0.00019%); highest among the groups gnomAD compares: East Asian, 0.0067%; no homozygotes.

Submissions (2):

Ambry Genetics
Classification: Uncertain significance for Hereditary cancer-predisposing syndrome. Last evaluated: 2026-06-28. Review status: criteria provided, single submitter. Criteria: Ambry Variant Classification Scheme 2023. Collection method: clinical testing. Allele origin: germline.
Comment: The p.S212P variant (also known as c.634T>C), located in coding exon 3 of the TMEM127 gene, results from a T to C substitution at nucleotide position 634. The serine at codon 212 is replaced by proline, an amino acid with similar properties. This amino acid position is conserved. In addition, this alteration is predicted to be deleterious by in silico analysis. Based on the available evidence, the clinical significance of this variant remains unclear.

Labcorp Genetics (formerly Invitae), Labcorp
Classification: Uncertain significance for Hereditary pheochromocytoma and paraganglioma. Last evaluated: 2025-09-20. Review status: criteria provided, single submitter. Criteria: Invitae Variant Classification Sherloc (09022015). Collection method: clinical testing. Allele origin: germline.
Comment: This sequence change replaces serine, which is neutral and polar, with proline, which is neutral and non-polar, at codon 212 of the TMEM127 protein (p.Ser212Pro). This variant is not present in population databases (gnomAD no frequency). This variant has not been reported in the literature in individuals affected with TMEM127-related conditions. ClinVar contains an entry for this variant (Variation ID: 1062141). An algorithm developed to predict the effect of missense changes on protein structure and function (PolyPhen-2) suggests that this variant is likely to be disruptive. In summary, the available evidence is currently insufficient to determine the role of this variant in disease. Therefore, it has been classified as a Variant of Uncertain Significance.